The following is an entry in ClinVar:

ClinVar aggregate classification (germline): Uncertain significance (1 of 4 stars; one submission).

Conditions:
Hereditary spastic paraplegia 6 (SPG6). Also called: SPASTIC PARAPLEGIA 6, AUTOSOMAL DOMINANT. Identifiers: Orphanet 100988, MedGen C1838192, MONDO:0010878, OMIM 600363.

gnomAD v4.1: 40 of 1,597,930 alleles (0.0025%); highest among the groups gnomAD compares: Middle Eastern, 0.035%; no homozygotes.

Submission:

Labcorp Genetics (formerly Invitae), Labcorp
Classification: Uncertain significance for Hereditary spastic paraplegia 6. Last evaluated: 2025-04-15. Review status: criteria provided, single submitter. Criteria: Invitae Variant Classification Sherloc (09022015). Collection method: clinical testing. Allele origin: germline.
Comment: This sequence change falls in intron 4 of the NIPA1 gene. It does not directly change the encoded amino acid sequence of the NIPA1 protein. This variant is present in population databases (rs368976230, gnomAD 0.006%). This variant has not been reported in the literature in individuals affected with NIPA1-related conditions. Algorithms developed to predict the effect of sequence changes on RNA splicing suggest that this variant may disrupt the consensus splice site. In summary, the available evidence is currently insufficient to determine the role of this variant in disease. Therefore, it has been classified as a Variant of Uncertain Significance.

NM_144599.5(NIPA1):c.479-14T>A

Gene: NIPA1 (NIPA magnesium transporter 1; plus strand). Cytogenetic location: 15q11.2.
Variant type: single nucleotide variant.
Coding change: c.479-14T>A on transcript NM_144599.5 (MANE Select); 14 bases into the intron before coding-DNA position 479, T replaced by A.
Molecular consequence: intron variant.
Genome position (GRCh38, 1-based): chr15:22,823,714, T>A. VCF-style: chr15-22823714-T-A. GRCh37 (hg19) VCF-style: chr15-23049354-A-T.
Other names: c.254-14T>A (NM_001142275.1).
Identifiers: ClinVar variation 4810279 (VCV004810279.1).